The following is an entry in ClinVar:

ClinVar aggregate classification (germline): Uncertain significance (1 of 4 stars; one submission).

Submission:

Women's Health and Genetics/Laboratory Corporation of America, LabCorp
Classification: Uncertain significance. Last evaluated: 2019-05-24. Review status: criteria provided, single submitter. Criteria: LabCorp Variant Classification Summary - May 2015. Collection method: clinical testing. Allele origin: germline.
Comment: Variant summary: COL4A6 c.1121G>A (p.Gly374Glu) results in a non-conservative amino acid change located in the Collagen triple helix repeat of the encoded protein sequence. Four of five in-silico tools predict a damaging effect of the variant on protein function. The variant was absent in 175686 control chromosomes. To our knowledge, no occurrence of c.1121G>A in individuals affected with Deafness, X-linked 6 and no experimental evidence demonstrating its impact on protein function have been reported. No clinical diagnostic laboratories have submitted clinical-significance assessments for this variant to ClinVar after 2014. However, another Glycine mutation, p.G591S, has been reported to associate with X-linked Nonsyndromic hearing loss (HGMD). Based on the evidence outlined above, the variant was classified as VUS-possibly pathogenic.

NM_033641.4(COL4A6):c.1118G>A (p.Gly373Glu)

Gene: COL4A6 (collagen type IV alpha 6 chain; minus strand). Cytogenetic location: Xq22.3.
Variant type: single nucleotide variant.
Coding change: c.1118G>A on transcript NM_033641.4 (MANE Select); coding-DNA position 1118, G replaced by A.
Protein change: p.Gly373Glu; replaces glycine 373 with glutamic acid.
Molecular consequence: missense variant.
Genome position (GRCh38, 1-based): chrX:108,192,535, C>T on the plus strand (G>A on the coding strand, the complement: COL4A6 is on the minus strand). VCF-style: chrX-108192535-C-T. GRCh37 (hg19) VCF-style: chrX-107435765-C-T.
Other names: c.1118G>A, p.Gly373Glu (NM_001287758.2, NM_001287759.2, NM_001287760.2); c.1121G>A, p.Gly374Glu (NM_001847.4); short protein forms G373E, G374E.
Identifiers: ClinVar variation 928644 (VCV000928644.1), dbSNP rs1234916196, ClinGen allele CA413861636.